The following is an entry in ClinVar:

ClinVar aggregate classification (germline): Uncertain significance (1 of 4 stars; one submission).

Conditions:
Familial cancer of breast. Also called: BREAST CANCER, FAMILIAL; hereditary breast carcinoma; Hereditary breast cancer. Identifiers: Orphanet 227535, MedGen C0346153, MONDO:0016419, OMIM 114480. Disease mechanism: loss of function.

Submission:

Labcorp Genetics (formerly Invitae), Labcorp
Classification: Uncertain significance for Familial cancer of breast. Last evaluated: 2022-08-20. Review status: criteria provided, single submitter. Criteria: Invitae Variant Classification Sherloc (09022015). Collection method: clinical testing. Allele origin: germline.
Comment: In summary, the available evidence is currently insufficient to determine the role of this variant in disease. Therefore, it has been classified as a Variant of Uncertain Significance. Algorithms developed to predict the effect of missense changes on protein structure and function are either unavailable or do not agree on the potential impact of this missense change (SIFT: "Tolerated"; PolyPhen-2: "Possibly Damaging"; Align-GVGD: "Class C0"). This variant has not been reported in the literature in individuals affected with PALB2-related conditions. This variant is not present in population databases (gnomAD no frequency). This sequence change replaces glutamine, which is neutral and polar, with proline, which is neutral and non-polar, at codon 692 of the PALB2 protein (p.Gln692Pro).

NM_024675.4(PALB2):c.2075A>C (p.Gln692Pro)

Gene: PALB2 (partner and localizer of BRCA2; minus strand). Cytogenetic location: 16p12.2.
Variant type: single nucleotide variant.
Coding change: c.2075A>C on transcript NM_024675.4 (MANE Select); coding-DNA position 2075, A replaced by C.
Protein change: p.Gln692Pro; replaces glutamine 692 with proline.
Molecular consequence: missense variant.
Genome position (GRCh38, 1-based): chr16:23,630,079, T>G on the plus strand (A>C on the coding strand, the complement: PALB2 is on the minus strand). VCF-style: chr16-23630079-T-G. GRCh37 (hg19) VCF-style: chr16-23641400-T-G.
Other names: c.2015A>C, p.Gln672Pro (NM_001407296.1); c.2075A>C, p.Gln692Pro (NM_001407297.1, NM_001407298.1, NM_001407299.1 and 3 more transcripts); c.1190A>C, p.Gln397Pro (NM_001407304.1, NM_001407305.1, NM_001407306.1 and 5 more transcripts); c.287A>C, p.Gln96Pro (NM_001407312.1, NM_001407313.1); short protein forms Q397P, Q672P, Q692P, Q96P.
Identifiers: ClinVar variation 1717224 (VCV001717224.5), dbSNP rs1555460499, ClinGen allele CA395126602.